The following is an entry in ClinVar:

NM_000145.4(FSHR):c.121C>G (p.Pro41Ala)

Gene: FSHR (follicle stimulating hormone receptor; minus strand). Cytogenetic location: 2p16.3.
Variant type: single nucleotide variant.
Coding change: c.121C>G on transcript NM_000145.4 (MANE Select); coding-DNA position 121, C replaced by G.
Protein change: p.Pro41Ala; replaces proline 41 with alanine.
Molecular consequence: missense variant.
Genome position (GRCh38, 1-based): chr2:49,154,297, G>C on the plus strand (C>G on the coding strand, the complement: FSHR is on the minus strand). VCF-style: chr2-49154297-G-C. GRCh37 (hg19) VCF-style: chr2-49381436-G-C.
Other names: c.121C>G, p.Pro41Ala (NM_181446.3); short protein forms P41A.
Identifiers: ClinVar variation 3359647 (VCV003359647.1).

ClinVar aggregate classification (germline): Uncertain significance (1 of 4 stars; one submission).

gnomAD v4.1: 2 of 1,613,780 alleles (0.00012%); highest among the groups gnomAD compares: Admixed American, 0.0017%; no homozygotes.

Submission:

GeneDx
Classification: Uncertain significance. Last evaluated: 2023-06-20. Review status: criteria provided, single submitter. Criteria: GeneDx Variant Classification Process June 2021. Collection method: clinical testing. Allele origin: germline. Affected: yes.
Comment: In silico analysis supports that this missense variant has a deleterious effect on protein structure/function; Has not been previously published as pathogenic or benign to our knowledge